The following is an entry in ClinVar:

NM_001080.3(ALDH5A1):c.1277G>A (p.Cys426Tyr)

Gene: ALDH5A1 (aldehyde dehydrogenase 5 family member A1; plus strand). Cytogenetic location: 6p22.3.
Variant type: single nucleotide variant.
Coding change: c.1277G>A on transcript NM_001080.3 (MANE Select); coding-DNA position 1277, G replaced by A.
Protein change: p.Cys426Tyr; replaces cysteine 426 with tyrosine.
Molecular consequence: missense variant.
Genome position (GRCh38, 1-based): chr6:24,528,100, G>A. VCF-style: chr6-24528100-G-A. GRCh37 (hg19) VCF-style: chr6-24528328-G-A.
Other names: c.1133G>A, p.Cys378Tyr (NM_001368954.1); c.1316G>A, p.Cys439Tyr (NM_170740.1); short protein forms C426Y, C439Y, C378Y.
Identifiers: ClinVar variation 568837 (VCV000568837.6), dbSNP rs764512077, ClinGen allele CA3656894.
Genomic context (GRCh38, chr6:24,528,100, plus strand): 5'-TTGTGACAGGTGGAAAACGACACCAACTTGGAAAAAATTTCTTTGAGCCTACCCTGCTGT[G>A]CAATGTCACCCAGGACATGCTGTGCACTCATGAAGAGACTTTCGGGCCTCTGGCACCAGT-3'
Protein context (NP_001071.1, residues 416-436): GKNFFEPTLL[Cys426Tyr]NVTQDMLCTH

ClinVar aggregate classification (germline): Uncertain significance (1 of 4 stars; one submission).

Conditions:
Succinate-semialdehyde dehydrogenase deficiency (SSADHD). Also called: 4-HYDROXYBUTYRIC ACIDURIA; SSADH DEFICIENCY; GABA METABOLIC DEFECT; Succinic Semialdehyde Dehydrogenase Deficiency. Identifiers: Orphanet 22, MedGen C0268631, MONDO:0010083, OMIM 271980.

Allele frequency attached by ClinVar (database versions not stated): ExAC 0.00002; gnomAD exomes 0.00002 and 0.00003; TOPMed 0.00002; gnomAD 0.00004.
gnomAD v4.1: 47 of 1,613,980 alleles (0.0029%); highest among the groups gnomAD compares: African/African-American, 0.004%; no homozygotes.

Submission:

Labcorp Genetics (formerly Invitae), Labcorp
Classification: Uncertain significance for Succinate-semialdehyde dehydrogenase deficiency. Last evaluated: 2022-08-10. Review status: criteria provided, single submitter. Criteria: Invitae Variant Classification Sherloc (09022015). Collection method: clinical testing. Allele origin: germline.
Comment: This sequence change replaces cysteine, which is neutral and slightly polar, with tyrosine, which is neutral and polar, at codon 426 of the ALDH5A1 protein (p.Cys426Tyr). This variant is present in population databases (rs764512077, gnomAD 0.008%). This missense change has been observed in individual(s) with clinical features of succinic semialdehyde dehydrogenase (SSADH) deficiency (PMID: 32887777). ClinVar contains an entry for this variant (Variation ID: 568837). Advanced modeling of protein sequence and biophysical properties (such as structural, functional, and spatial information, amino acid conservation, physicochemical variation, residue mobility, and thermodynamic stability) performed at Invitae indicates that this missense variant is not expected to disrupt ALDH5A1 protein function. In summary, the available evidence is currently insufficient to determine the role of this variant in disease. Therefore, it has been classified as a Variant of Uncertain Significance.

Literature cited by the submitters: PubMed 32887777.